The following is an entry in ClinVar:

NM_002334.4(LRP4):c.1117C>T (p.Arg373Trp)

Gene: LRP4 (LDL receptor related protein 4; minus strand). Cytogenetic location: 11p11.2.
Variant type: single nucleotide variant.
Coding change: c.1117C>T on transcript NM_002334.4 (MANE Select); coding-DNA position 1117, C replaced by T.
Protein change: p.Arg373Trp; replaces arginine 373 with tryptophan.
Molecular consequence: missense variant.
Genome position (GRCh38, 1-based): chr11:46,895,950, G>A on the plus strand (C>T on the coding strand, the complement: LRP4 is on the minus strand). VCF-style: chr11-46895950-G-A. GRCh37 (hg19) VCF-style: chr11-46917501-G-A.
Other names: p.Arg373Trp; short protein forms R373W.
Identifiers: ClinVar variation 304890 (VCV000304890.19), dbSNP rs118009068, ClinGen allele CA5970261.
Genomic context (GRCh38, chr11:46,895,950, plus strand): 5'-ACGTGTGCCCATCCTCTGTGAGCCGGTAGCCTGTGTGGCAGGTACACTGCACTGCCCCCC[G>A]CACCATCTGGCACTTCTGGGCACAGCCACCGTTGTTAACATTGCAGTTCTCCTCACCCGT-3'
Protein context (NP_002325.2, residues 363-383): GGCAQKCQMV[Arg373Trp]GAVQCTCHTG

ClinVar aggregate classification (germline): Benign/Likely benign. Review status: criteria provided, multiple submitters, no conflicts (2 of 4 stars). 5 submissions from 5 submitters: Benign (3); Likely benign (2). Last evaluated 2026-02-04.

Conditions:
Cenani-Lenz syndactyly syndrome. Also called: CENANI SYNDACTYLISM; SYNDACTYLY, TYPE VII. Identifiers: Orphanet 3258, MedGen C1859309, MONDO:0008931, OMIM 212780.
Congenital myasthenic syndrome 17. Identifiers: Orphanet 590, MedGen C4225377, MONDO:0014578, OMIM 616304.
Sclerosteosis 2 (SOST2). Identifiers: Orphanet 3152, MedGen C3280402, MONDO:0013679, OMIM 614305.

Allele frequency attached by ClinVar (database versions not stated): 1000 Genomes Project 0.01058; 1000 Genomes Project 30x 0.01062; TOPMed 0.01624; gnomAD 0.01699 and 0.01710; gnomAD exomes 0.01831 and 0.02196; ExAC 0.01877; ESP Exome Variant Server 0.02008.
gnomAD v4.1: 34,574 of 1,613,888 alleles (2.1%); highest among the groups gnomAD compares: Middle Eastern, 2.5%; 427 homozygotes.

Submissions (5):

Labcorp Genetics (formerly Invitae), Labcorp
Classification: Benign for Cenani-Lenz syndactyly syndrome; Sclerosteosis 2; Congenital myasthenic syndrome 17. Last evaluated: 2026-02-04. Review status: criteria provided, single submitter. Criteria: Invitae Variant Classification Sherloc (09022015). Collection method: clinical testing. Allele origin: germline.

Mayo Clinic Laboratories, Mayo Clinic
Classification: Benign. Last evaluated: 2023-02-09. Review status: criteria provided, single submitter. Criteria: ACMG Guidelines, 2015. Collection method: clinical testing. Allele origin: germline. Observed: 12 variant alleles.
Comment: BS1, BS2

GeneDx
Classification: Benign. Last evaluated: 2020-11-19. Review status: criteria provided, single submitter. Criteria: GeneDx Variant Classification Process June 2021. Collection method: clinical testing. Allele origin: germline. Affected: yes.
Comment: This variant is associated with the following publications: (PMID: 30327840)

Illumina Laboratory Services, Illumina
Classification: Likely benign for Cenani-Lenz syndactyly syndrome. Last evaluated: 2017-04-27. Review status: criteria provided, single submitter. Criteria: ICSL Variant Classification Criteria 13 December 2019. Collection method: clinical testing. Allele origin: germline.
Comment: This variant was observed as part of a predisposition screen in an ostensibly healthy population. A literature search was performed for the gene, cDNA change, and amino acid change (where applicable). No publications were found based on this search. Allele frequency data from public databases allowed determination this variant is unlikely to cause disease. Therefore, this variant is classified as likely benign.

Breakthrough Genomics
Classification: Likely benign. Review status: criteria provided, single submitter. Criteria: ACMG Guidelines, 2015. Collection method: not provided. Allele origin: germline. Inheritance: Autosomal recessive inheritance. Affected: yes.

Literature cited by the submitters: PubMed 30327840 (cited by Mayo Clinic Laboratories, Mayo Clinic).